The following is an entry in ClinVar:

ClinVar aggregate classification (germline): Likely benign. Review status: criteria provided, multiple submitters, no conflicts (2 of 4 stars). 3 submissions from 3 submitters: Likely benign (3). Last evaluated 2025-08-27.

Conditions:
Cardiovascular phenotype. Identifiers: MedGen CN230736.

Allele frequency attached by ClinVar (database versions not stated): gnomAD 0.00001.
gnomAD v4.1: 2 of 1,550,374 alleles (0.00013%); highest among the groups gnomAD compares: Non-Finnish European, 0.00017%; no homozygotes.

Submissions (3):

Mayo Clinic Laboratories, Mayo Clinic
Classification: Likely benign. Last evaluated: 2025-08-27. Review status: criteria provided, single submitter. Criteria: ACMG Guidelines, 2015. Collection method: clinical testing. Allele origin: germline. Observed: 1 variant allele.
Comment: BP4, BP7, PM2_supporting

Ambry Genetics
Classification: Likely benign for Cardiovascular phenotype. Last evaluated: 2024-07-29. Review status: criteria provided, single submitter. Criteria: Ambry Variant Classification Scheme 2023. Collection method: clinical testing. Allele origin: germline.

Labcorp Genetics (formerly Invitae), Labcorp
Classification: Likely benign. Last evaluated: 2023-02-06. Review status: criteria provided, single submitter. Criteria: Invitae Variant Classification Sherloc (09022015). Collection method: clinical testing. Allele origin: germline.

NM_001367624.2(ZNF469):c.4569G>T (p.Val1523=)

Gene: ZNF469 (zinc finger protein 469; plus strand). Cytogenetic location: 16q24.2.
Variant type: single nucleotide variant.
Coding change: c.4569G>T on transcript NM_001367624.2 (MANE Select); coding-DNA position 4569, G replaced by T.
Protein change: p.Val1523=; no amino-acid change (valine 1523 retained).
Molecular consequence: synonymous variant.
Genome position (GRCh38, 1-based): chr16:88,432,039, G>T. VCF-style: chr16-88432039-G-T. GRCh37 (hg19) VCF-style: chr16-88498447-G-T.
Other names: NM_001127464.1:c.4485G>T; p.Val1523=.
Identifiers: ClinVar variation 2781539 (VCV002781539.5), dbSNP rs1017510454, ClinGen allele CA497355173.